The following is an entry in ClinVar:

NM_000138.5(FBN1):c.141T>G (p.Gly47=)

Gene: FBN1 (fibrillin 1; minus strand). Cytogenetic location: 15q21.1.
Variant type: single nucleotide variant.
Coding change: c.141T>G on transcript NM_000138.5 (MANE Select); coding-DNA position 141, T replaced by G.
Protein change: p.Gly47=; no amino-acid change (glycine 47 retained).
Molecular consequence: synonymous variant.
Genome position (GRCh38, 1-based): chr15:48,644,629, A>C on the plus strand (T>G on the coding strand, the complement: FBN1 is on the minus strand). VCF-style: chr15-48644629-A-C. GRCh37 (hg19) VCF-style: chr15-48936826-A-C.
Other names: p.G47G:GGT>GGG.
Identifiers: ClinVar variation 137307 (VCV000137307.1), dbSNP rs587780941, ClinGen allele CA012129.

ClinVar aggregate classification (germline): Benign (1 of 4 stars; one submission).

Submission:

GeneDx
Classification: Benign. Last evaluated: 2013-05-09. Review status: criteria provided, single submitter. Criteria: GeneDx Variant Classification (06012015). Collection method: clinical testing. Allele origin: germline. Affected: yes.
Comment: This variant is considered likely benign or benign based on one or more of the following criteria: it is a conservative change, it occurs at a poorly conserved position in the protein, it is predicted to be benign by multiple in silico algorithms, and/or has population frequency not consistent with disease.